The following is an entry in ClinVar:

NM_005591.4(MRE11):c.1246A>G (p.Lys416Glu)

Gene: MRE11 (MRE11 double strand break repair nuclease; minus strand). Cytogenetic location: 11q21.
Variant type: single nucleotide variant.
Coding change: c.1246A>G on transcript NM_005591.4 (MANE Select); coding-DNA position 1246, A replaced by G.
Protein change: p.Lys416Glu; replaces lysine 416 with glutamic acid.
Molecular consequence: missense variant.
Genome position (GRCh38, 1-based): chr11:94,461,016, T>C on the plus strand (A>G on the coding strand, the complement: MRE11 is on the minus strand). VCF-style: chr11-94461016-T-C. GRCh37 (hg19) VCF-style: chr11-94194182-T-C.
Other names: c.1246A>G, p.Lys416Glu (NM_001330347.2, NM_005590.4); short protein forms K416E.
Identifiers: ClinVar variation 3295820 (VCV003295820.1).
Genomic context (GRCh38, chr11:94,461,016, plus strand): 5'-ACTGTTTTACAAGATCTTCTACCCTTAAAGTTGTTCCTTCTGAAGGCTTTGTGATAAGTT[T>C]CCCAAAGTTGATCTCTTCTCCTAGAAAAAAAGAAGTATATCAAAAAATAGCTTCTATCAT-3'
Protein context (NP_005582.1, residues 406-426): EKTGEEINFG[Lys416Glu]LITKPSEGTT

ClinVar aggregate classification (germline): Uncertain significance (1 of 4 stars; one submission).

Conditions:
Hereditary cancer-predisposing syndrome. Also called: Tumor predisposition; Hereditary Cancer Syndrome; Hereditary neoplastic syndrome; Neoplastic Syndromes, Hereditary. Identifiers: Orphanet 140162, MedGen C0027672, MeSH D009386, MONDO:0015356.

Submission:

Ambry Genetics
Classification: Uncertain significance for Hereditary cancer-predisposing syndrome. Last evaluated: 2024-04-26. Review status: criteria provided, single submitter. Criteria: Ambry Variant Classification Scheme 2023. Collection method: clinical testing. Allele origin: germline.
Comment: The p.K416E variant (also known as c.1246A>G), located in coding exon 11 of the MRE11A gene, results from an A to G substitution at nucleotide position 1246. The lysine at codon 416 is replaced by glutamic acid, an amino acid with similar properties. This amino acid position is conserved. In addition, this alteration is predicted to be tolerated by in silico analysis. Based on the available evidence, the clinical significance of this variant remains unclear.